The following is an entry in ClinVar:

ClinVar aggregate classification (germline): Benign/Likely benign. Review status: criteria provided, multiple submitters, no conflicts (2 of 4 stars). 2 submissions from 2 submitters: Benign (1); Likely benign (1). Last evaluated 2026-07-02.

Conditions:
Sessile serrated polyposis cancer syndrome (SSPCS). Identifiers: Orphanet 157798, MedGen C4310714, MONDO:0014919, OMIM 617108.

gnomAD v4.1: 1 of 1,613,952 alleles (0.000062%); highest among the groups gnomAD compares: African/African-American, 0.0013%; no homozygotes.

Submissions (2):

Myriad Genetics, Inc.
Classification: Benign for Sessile serrated polyposis cancer syndrome. Last evaluated: 2026-07-02. Review status: criteria provided, single submitter. Criteria: Myriad Autosomal Dominant, Autosomal Recessive and X-Linked Classification Criteria (2023). Collection method: clinical testing. Allele origin: unknown.
Comment: This variant is considered benign. This variant is a silent/synonymous amino acid change and it is not expected to impact splicing.

Ambry Genetics
Classification: Likely benign. Last evaluated: 2026-01-13. Review status: criteria provided, single submitter. Criteria: Ambry Variant Classification Scheme 2023. Collection method: clinical testing. Allele origin: germline.

NM_017763.6(RNF43):c.2148C>A (p.Gly716=)

Gene: RNF43 (ring finger protein 43; minus strand). Cytogenetic location: 17q22.
Variant type: single nucleotide variant.
Coding change: c.2148C>A on transcript NM_017763.6 (MANE Select); coding-DNA position 2148, C replaced by A.
Protein change: p.Gly716=; no amino-acid change (glycine 716 retained).
Molecular consequence: synonymous variant.
Genome position (GRCh38, 1-based): chr17:58,357,628, G>T on the plus strand (C>A on the coding strand, the complement: RNF43 is on the minus strand). VCF-style: chr17-58357628-G-T. GRCh37 (hg19) VCF-style: chr17-56434989-G-T.
Other names: c.2148C>A, p.Gly716= (NM_001305544.3, NM_001438820.1, NM_001438821.1 and 1 more transcripts); c.1767C>A, p.Gly589= (NM_001305545.2, NM_001437987.1).
Identifiers: ClinVar variation 4841976 (VCV004841976.2).
Genomic context (GRCh38, chr17:58,357,628, plus strand): 5'-TTCCAGGGGCTGGCGAGGAGTCAGGCACAACCACACTGGCTGTGAATTTGAGTAACAGGG[G>T]CCTGGGGTTTCTGGTAGCAGCCTCTTGTCCAGGCCTGGAGGTCCACAGATCAAGGGGTGT-3'
Protein context (NP_060233.3, residues 706-726): LDKRLLPETP[Gly716=]PCYSNSQPVW